The following is an entry in ClinVar:

ClinVar aggregate classification (germline): Pathogenic. Review status: reviewed by expert panel (3 of 4 stars). 2 submissions from 2 submitters: Pathogenic (1). 1 of the submissions does not count toward it. Last evaluated 2016-10-18.

Conditions:
Breast-ovarian cancer, familial, susceptibility to, 1 (BROVCA1). Also called: BRCA1 Hereditary Breast and Ovarian Cancer; OVARIAN CANCER, SUSCEPTIBILITY TO. Identifiers: Orphanet 145, MedGen C2676676, MONDO:0011450, OMIM 604370. Disease mechanism: loss of function.

Submissions (2):

Evidence-based Network for the Interpretation of Germline Mutant Alleles (ENIGMA)
Classification: Pathogenic for Breast-ovarian cancer, familial, susceptibility to, 1. Last evaluated: 2016-10-18. Review status: reviewed by expert panel. Criteria: ENIGMA BRCA1/2 Classification Criteria (2015). Collection method: curation. Allele origin: germline.
Comment: Variant allele predicted to encode a truncated non-functional protein.

Consortium of Investigators of Modifiers of BRCA1/2 (CIMBA), c/o University of Cambridge
Classification: Pathogenic for Breast-ovarian cancer, familial, susceptibility to, 1. Last evaluated: 2015-10-02. Review status: criteria provided, single submitter. Criteria: CIMBA Mutation Classification guidelines May 2016. Collection method: clinical testing. Allele origin: germline. Not counted in ClinVar's aggregate classification.

NM_007294.4(BRCA1):c.5537_5556del (p.Gln1846fs)

Gene: BRCA1 (BRCA1 DNA repair associated; minus strand). Cytogenetic location: 17q21.31.
Variant type: Deletion.
Coding change: c.5537_5556del on transcript NM_007294.4 (MANE Select); coding-DNA positions 5537 to 5556, 20 bases deleted (AGTGCCAGGAGCTGGACACC).
Protein change: p.Gln1846fs; shifts the reading frame from glutamine 1846.
Molecular consequence: frameshift variant. On other transcripts: 3 prime UTR variant (1), non-coding transcript variant (1).
Genome position (GRCh38, 1-based): chr17:43,045,714-43,045,733, GGTGTCCAGCTCCTGGCACT deleted on the plus strand (AGTGCCAGGAGCTGGACACC on the coding strand, the reverse complement: BRCA1 is on the minus strand); deleting any 20 consecutive bases within chr17:43,045,714-43,045,736 gives the same sequence; the c. name uses the placement nearest the transcript's 3' end. VCF-style (leftmost placement, unchanged base first): chr17-43045713-AGGTGTCCAGCTCCTGGCACT-A. GRCh37 (hg19) VCF-style: chr17-41197730-AGGTGTCCAGCTCCTGGCACT-A.
Other names: 5656del20; c.5321_5340del20, p.Gln1775Leufs (NM_001407571.1, NM_001407894.1, NM_001407895.1 and 12 more transcripts); c.5600_5619del20, p.Gln1868Leufs (NM_001407581.1, NM_001407582.1); c.5597_5616del20, p.Gln1867Leufs (NM_001407583.1, NM_001407585.1, NM_001407587.1); c.5594_5613del20, p.Gln1866Leufs (NM_001407590.1, NM_001407591.1); c.5534_5553del20, p.Gln1846Leufs (NM_001407593.1, NM_001407594.1, NM_001407596.1 and 6 more transcripts); c.5531_5550del20, p.Gln1845Leufs (NM_001407610.1, NM_001407611.1, NM_001407612.1 and 14 more transcripts); c.5528_5547del20, p.Gln1844Leufs (NM_001407627.1, NM_001407628.1, NM_001407629.1 and 13 more transcripts); and 78 more; short protein forms Q1799fs, Q1846fs, Q742fs, Q1867fs.
Identifiers: ClinVar variation 266561 (VCV000266561.6), dbSNP rs886040302, ClinGen allele CA10589581.
Genomic context (GRCh38, chr17:43,045,713, plus strand): 5'-GCTCTGTACCTGTGGCTGGCTGCAGTCAGTAGTGGCTGTGGGGGATCTGGGGTATCAGGT[AGGTGTCCAGCTCCTGGCACT>A]GGTAGAGTGCTACACTGTCCAACACCCACTCTCGGGTCACCACAGGTGCCTCACACATCT-3'